The following is an entry in ClinVar:

NM_017757.3(ZNF407):c.5676G>T (p.Thr1892=)

Gene: ZNF407 (zinc finger protein 407; plus strand). Cytogenetic location: 18q22.3.
Variant type: single nucleotide variant.
Coding change: c.5676G>T on transcript NM_017757.3 (MANE Select); coding-DNA position 5676, G replaced by T.
Protein change: p.Thr1892=; no amino-acid change (threonine 1892 retained).
Molecular consequence: synonymous variant.
Genome position (GRCh38, 1-based): chr18:75,063,397, G>T. VCF-style: chr18-75063397-G-T. GRCh37 (hg19) VCF-style: chr18-72775353-G-T.
Other names: c.5676G>T, p.Thr1892= (NM_001384475.1).
Identifiers: ClinVar variation 715740 (VCV000715740.8), dbSNP rs200055040, ClinGen allele CA9001184.

ClinVar aggregate classification (germline): Benign/Likely benign. Review status: criteria provided, multiple submitters, no conflicts (2 of 4 stars). 4 submissions from 4 submitters: Benign (2); Likely benign (2). Last evaluated 2026-05-01.

Allele frequency attached by ClinVar (database versions not stated): TOPMed 0.00424; 1000 Genomes Project 30x 0.00297; 1000 Genomes Project 0.00300; ESP Exome Variant Server 0.00391.
gnomAD v4.1: 1,100 of 1,611,072 alleles (0.068%); highest among the groups gnomAD compares: African/African-American, 1.3%; 7 homozygotes.

Submissions (4):

CeGaT Center for Human Genetics Tuebingen
Classification: Likely benign. Last evaluated: 2026-05-01. Review status: criteria provided, single submitter. Criteria: CeGaT Center For Human Genetics Tuebingen Variant Classification Criteria Version 2. Collection method: clinical testing. Allele origin: germline. Affected: yes. Observed: 1 variant allele.
Comment: ZNF407: BP4, BP7, BS1

Blueprint Genetics
Classification: Likely benign. Last evaluated: 2024-07-18. Review status: criteria provided, single submitter. Criteria: ACMG Guidelines, 2015. Collection method: clinical testing. Allele origin: germline.

Labcorp Genetics (formerly Invitae), Labcorp
Classification: Benign. Last evaluated: 2019-12-31. Review status: criteria provided, single submitter. Criteria: Invitae Variant Classification Sherloc (09022015). Collection method: clinical testing. Allele origin: germline.

Breakthrough Genomics
Classification: Benign. Review status: criteria provided, single submitter. Criteria: ACMG Guidelines, 2015. Collection method: not provided. Allele origin: germline. Inheritance: Autosomal recessive inheritance. Affected: yes.